The following is an entry in ClinVar:

ClinVar aggregate classification (germline): Pathogenic (1 of 4 stars; one submission).

Conditions:
RYR1-related disorder. Also called: RYR1-related condition; RYR1-related disorders. Identifiers: MedGen CN239331.

Submission:

Labcorp Genetics (formerly Invitae), Labcorp
Classification: Pathogenic for RYR1-related disorder. Last evaluated: 2023-06-20. Review status: criteria provided, single submitter. Criteria: Invitae Variant Classification Sherloc (09022015). Collection method: clinical testing. Allele origin: germline.
Comment: For these reasons, this variant has been classified as Pathogenic. This premature translational stop signal has been observed in individual(s) with clinical features of autosomal recessive RYR1-related myopathy (PMID: 24319099). This variant is not present in population databases (gnomAD no frequency). This sequence change creates a premature translational stop signal (p.Arg2920*) in the RYR1 gene. It is expected to result in an absent or disrupted protein product. Loss-of-function variants in RYR1 are known to be pathogenic (PMID: 23919265, 25960145, 28818389, 30611313).

Literature cited by the submitters: PubMed 24319099; PubMed 23919265; PubMed 25960145; PubMed 28818389; PubMed 30611313.

NM_000540.3(RYR1):c.8758C>T (p.Arg2920Ter)

Gene: RYR1 (ryanodine receptor 1; plus strand). Cytogenetic location: 19q13.2.
Variant type: single nucleotide variant.
Coding change: c.8758C>T on transcript NM_000540.3 (MANE Select); coding-DNA position 8758, C replaced by T.
Protein change: p.Arg2920Ter; replaces arginine 2920 with a stop codon.
Molecular consequence: nonsense.
Genome position (GRCh38, 1-based): chr19:38,506,894, C>T. VCF-style: chr19-38506894-C-T. GRCh37 (hg19) VCF-style: chr19-38997534-C-T.
Other names: c.8758C>T, p.Arg2920Ter (NM_001042723.2); short protein forms R2920*.
Identifiers: ClinVar variation 2736880 (VCV002736880.3), dbSNP rs2514370856, ClinGen allele CA405681104.